The following is an entry in ClinVar:

NM_017654.4(SAMD9):c.2881G>A (p.Gly961Ser)

Gene: SAMD9 (sterile alpha motif domain containing 9; minus strand). Cytogenetic location: 7q21.2.
Variant type: single nucleotide variant.
Coding change: c.2881G>A on transcript NM_017654.4 (MANE Select); coding-DNA position 2881, G replaced by A.
Protein change: p.Gly961Ser; replaces glycine 961 with serine.
Molecular consequence: missense variant.
Genome position (GRCh38, 1-based): chr7:93,103,217, C>T on the plus strand (G>A on the coding strand, the complement: SAMD9 is on the minus strand). VCF-style: chr7-93103217-C-T. GRCh37 (hg19) VCF-style: chr7-92732530-C-T.
Other names: c.2881G>A, p.Gly961Ser (NM_001193307.2); short protein forms G961S.
Identifiers: ClinVar variation 4863794 (VCV004863794.1).
Genomic context (GRCh38, chr7:93,103,217, plus strand): 5'-CTCCACAGTAGTTCCCACATTCGATGACCTCTGTTTTTATCAGAATTGTAGAGTAGGTGC[C>T]CATCTTGTCTTCAAATTTTTCTGTCCCCCAGAAAGCCTTCTTGTTTCCAATTCCTAAGAA-3'
Protein context (NP_060124.2, residues 951-971): WGTEKFEDKM[Gly961Ser]TYSTILIKTE

ClinVar aggregate classification (germline): Uncertain significance (1 of 4 stars; one submission).

Conditions:
Inborn genetic diseases. Identifiers: MedGen C0950123, MeSH D030342.

Submission:

Ambry Genetics
Classification: Uncertain significance for Inborn genetic diseases. Last evaluated: 2026-04-04. Review status: criteria provided, single submitter. Criteria: Ambry Variant Classification Scheme 2023. Collection method: clinical testing. Allele origin: germline.
Comment: The p.G961S variant (also known as c.2881G>A), located in coding exon 1 of the SAMD9 gene, results from a G to A substitution at nucleotide position 2881. The glycine at codon 961 is replaced by serine, an amino acid with similar properties. This amino acid position is conserved. In addition, this alteration is predicted to be tolerated by in silico analysis. Based on the available evidence, the clinical significance of this variant remains unclear.